The following is an entry in ClinVar:

NM_006231.4(POLE):c.3164_3166del (p.Ser1055del)

Gene: POLE (DNA polymerase epsilon, catalytic subunit; minus strand). Cytogenetic location: 12q24.33.
Variant type: Deletion.
Coding change: c.3164_3166del on transcript NM_006231.4 (MANE Select); coding-DNA positions 3164 to 3166, 3 bases deleted (GCA; older notation c.3164_3166delGCA).
Protein change: p.Ser1055del; deletes serine 1055.
Molecular consequence: inframe deletion.
Genome position (GRCh38, 1-based): chr12:132,659,404-132,659,406, TGC deleted on the plus strand (GCA on the coding strand, the reverse complement: POLE is on the minus strand); deleting any 3 consecutive bases within chr12:132,659,404-132,659,408 gives the same sequence; the c. name uses the placement nearest the transcript's 3' end. VCF-style (leftmost placement, unchanged base first): chr12-132659403-GTGC-G. GRCh37 (hg19) VCF-style: chr12-133235989-GTGC-G.
Other names: short protein forms S1055del.
Identifiers: ClinVar variation 4728537 (VCV004728537.1).
Genomic context (GRCh38, chr12:132,659,403, plus strand): 5'-CAACTCAGCCCTGCATCCTTGACCATCTGGTCTCCCAGGAACTCGGCCAGGCGCTTTGCT[GTGC>G]TGATGGACGTAGACTTCTGCTCCCCGTAATCTTCCAGCTTCCGAGACATGGAACGGTTCT-3'

ClinVar aggregate classification (germline): Uncertain significance (1 of 4 stars; one submission).

Submission:

Labcorp Genetics (formerly Invitae), Labcorp
Classification: Uncertain significance. Last evaluated: 2025-10-06. Review status: criteria provided, single submitter. Criteria: Invitae Variant Classification Sherloc (09022015). Collection method: clinical testing. Allele origin: germline.
Comment: This variant, c.3164_3166del, results in the deletion of 1 amino acid(s) of the POLE protein (p.Ser1055del), but otherwise preserves the integrity of the reading frame. This variant is not present in population databases (gnomAD no frequency). This variant has not been reported in the literature in individuals affected with POLE-related conditions. Experimental studies and prediction algorithms are not available or were not evaluated, and the functional significance of this variant is currently unknown. In summary, the available evidence is currently insufficient to determine the role of this variant in disease. Therefore, it has been classified as a Variant of Uncertain Significance.